The following is an entry in ClinVar:

NM_144668.6(CFAP251):c.621G>A (p.Glu207=)

Gene: CFAP251 (cilia and flagella associated protein 251; plus strand). Cytogenetic location: 12q24.31.
Variant type: single nucleotide variant.
Coding change: c.621G>A on transcript NM_144668.6 (MANE Select); coding-DNA position 621, G replaced by A.
Protein change: p.Glu207=; no amino-acid change (glutamic acid 207 retained).
Molecular consequence: synonymous variant.
Genome position (GRCh38, 1-based): chr12:121,923,864, G>A. VCF-style: chr12-121923864-G-A. GRCh37 (hg19) VCF-style: chr12-122361770-G-A.
Other names: c.621G>A, p.Glu207= (NM_001178003.2).
Identifiers: ClinVar variation 3048403 (VCV003048403.2), dbSNP rs373280656, ClinGen allele CA6840364.

ClinVar aggregate classification (germline): Likely benign (0 of 4 stars; one submission).

Conditions:
CFAP251-related disorder. Also called: CFAP251-related condition.

Allele frequency attached by ClinVar (database versions not stated): gnomAD exomes 0.00005; ExAC 0.00012; 1000 Genomes Project 30x 0.00031; ESP Exome Variant Server 0.00033; 1000 Genomes Project 0.00040; gnomAD 0.00046; TOPMed 0.00052.

Submission:

PreventionGenetics, part of Exact Sciences
Classification: Likely benign for CFAP251-related condition. Last evaluated: 2019-02-20. Review status: no assertion criteria provided. Collection method: clinical testing. Allele origin: germline.
Comment: This variant is classified as likely benign based on ACMG/AMP sequence variant interpretation guidelines (Richards et al. 2015 PMID: 25741868, with internal and published modifications).